The following is an entry in ClinVar:

ClinVar aggregate classification (germline): Likely benign (1 of 4 stars; one submission).

Allele frequency attached by ClinVar (database versions not stated): 1000 Genomes Project 30x 0.00062; 1000 Genomes Project 0.00079.
gnomAD v4.1: 61 of 1,210,250 alleles (0.005%); highest among the groups gnomAD compares: African/African-American, 0.01%; no homozygotes.

Submission:

CeGaT Center for Human Genetics Tuebingen
Classification: Likely benign. Last evaluated: 2022-11-01. Review status: criteria provided, single submitter. Criteria: CeGaT Center For Human Genetics Tuebingen Variant Classification Criteria Version 2. Collection method: clinical testing. Allele origin: germline. Affected: yes. Observed: 1 variant allele.
Comment: BCOR: BP4, BP7, BS2

NM_001123385.2(BCOR):c.2199G>A (p.Thr733=)

Gene: BCOR (BCL6 corepressor; minus strand). Cytogenetic location: Xp11.4.
Variant type: single nucleotide variant.
Coding change: c.2199G>A on transcript NM_001123385.2 (MANE Select); coding-DNA position 2199, G replaced by A.
Protein change: p.Thr733=; no amino-acid change (threonine 733 retained).
Molecular consequence: synonymous variant.
Genome position (GRCh38, 1-based): chrX:40,073,147, C>T on the plus strand (G>A on the coding strand, the complement: BCOR is on the minus strand). VCF-style: chrX-40073147-C-T. GRCh37 (hg19) VCF-style: chrX-39932400-C-T.
Other names: c.2199G>A, p.Thr733= (NM_001123383.2, NM_001123384.2, NM_017745.6).
Identifiers: ClinVar variation 2660314 (VCV002660314.24), dbSNP rs140693978, ClinGen allele CA10386823.